The following is an entry in ClinVar:

ClinVar aggregate classification (germline): Uncertain significance. Review status: criteria provided, multiple submitters, no conflicts (2 of 4 stars). 2 submissions from 2 submitters: Uncertain significance (2). Last evaluated 2024-11-22.

Conditions:
Hereditary cancer-predisposing syndrome. Also called: Neoplastic Syndromes, Hereditary; Tumor predisposition; Hereditary Cancer Syndrome; Hereditary neoplastic syndrome. Identifiers: Orphanet 140162, MedGen C0027672, MeSH D009386, MONDO:0015356.
Oligodontia-cancer predisposition syndrome. Also called: TOOTH AGENESIS-COLORECTAL CANCER SYNDROME. Identifiers: Orphanet 300576, MedGen C1837750, MONDO:0012075, OMIM 608615. Disease mechanism: loss of function.

Submissions (2):

Labcorp Genetics (formerly Invitae), Labcorp
Classification: Uncertain significance for Oligodontia-cancer predisposition syndrome. Last evaluated: 2024-11-22. Review status: criteria provided, single submitter. Criteria: Invitae Variant Classification Sherloc (09022015). Collection method: clinical testing. Allele origin: germline.
Comment: This sequence change replaces alanine, which is neutral and non-polar, with glycine, which is neutral and non-polar, at codon 371 of the AXIN2 protein (p.Ala371Gly). This variant is not present in population databases (gnomAD no frequency). This variant has not been reported in the literature in individuals affected with AXIN2-related conditions. ClinVar contains an entry for this variant (Variation ID: 1001390). Invitae Evidence Modeling of protein sequence and biophysical properties (such as structural, functional, and spatial information, amino acid conservation, physicochemical variation, residue mobility, and thermodynamic stability) indicates that this missense variant is expected to disrupt AXIN2 protein function with a positive predictive value of 80%. In summary, the available evidence is currently insufficient to determine the role of this variant in disease. Therefore, it has been classified as a Variant of Uncertain Significance.

Ambry Genetics
Classification: Uncertain significance for Hereditary cancer-predisposing syndrome. Last evaluated: 2023-11-08. Review status: criteria provided, single submitter. Criteria: Ambry Variant Classification Scheme 2023. Collection method: clinical testing. Allele origin: germline.
Comment: The p.A371G variant (also known as c.1112C>G), located in coding exon 4 of the AXIN2 gene, results from a C to G substitution at nucleotide position 1112. The alanine at codon 371 is replaced by glycine, an amino acid with similar properties. This amino acid position is conserved. In addition, this alteration is predicted to be deleterious by in silico analysis. Since supporting evidence is limited at this time, the clinical significance of this alteration remains unclear.

NM_004655.4(AXIN2):c.1112C>G (p.Ala371Gly)

Gene: AXIN2 (axin 2; minus strand). Cytogenetic location: 17q24.1.
Variant type: single nucleotide variant.
Coding change: c.1112C>G on transcript NM_004655.4 (MANE Select); coding-DNA position 1112, C replaced by G.
Protein change: p.Ala371Gly; replaces alanine 371 with glycine.
Molecular consequence: missense variant.
Genome position (GRCh38, 1-based): chr17:65,538,291, G>C on the plus strand (C>G on the coding strand, the complement: AXIN2 is on the minus strand). VCF-style: chr17-65538291-G-C. GRCh37 (hg19) VCF-style: chr17-63534409-G-C.
Other names: c.1112C>G, p.Ala371Gly (NM_001363813.1); c.1112C>G (NM_004655.3); short protein forms A371G.
Identifiers: ClinVar variation 1001390 (VCV001001390.9), dbSNP rs2043980302, ClinGen allele CA400678431.